The following is an entry in ClinVar:

NM_001128840.3(CACNA1D):c.1589T>A (p.Ile530Asn)

Gene: CACNA1D (calcium voltage-gated channel subunit alpha1 D; plus strand). Cytogenetic location: 3p21.1.
Variant type: single nucleotide variant.
Coding change: c.1589T>A on transcript NM_001128840.3 (MANE Select); coding-DNA position 1589, T replaced by A.
Protein change: p.Ile530Asn; replaces isoleucine 530 with asparagine.
Molecular consequence: missense variant.
Genome position (GRCh38, 1-based): chr3:53,722,397, T>A. VCF-style: chr3-53722397-T-A. GRCh37 (hg19) VCF-style: chr3-53756424-T-A.
Other names: c.1649T>A, p.Ile550Asn (NM_000720.4); c.1589T>A, p.Ile530Asn (NM_001128839.3); short protein forms I530N, I550N.
Identifiers: ClinVar variation 4076916 (VCV004076916.1).

ClinVar aggregate classification (germline): Uncertain significance (1 of 4 stars; one submission).

gnomAD v4.1: 1 of 1,614,100 alleles (0.000062%); highest among the groups gnomAD compares: African/African-American, 0.0013%; no homozygotes.

Submission:

GeneDx
Classification: Uncertain significance. Last evaluated: 2025-02-21. Review status: criteria provided, single submitter. Criteria: GeneDx Variant Classification Process June 2021. Collection method: clinical testing. Allele origin: germline. Affected: yes.
Comment: Not observed at significant frequency in large population cohorts (gnomAD); In silico analysis supports that this missense variant has a deleterious effect on protein structure/function; Has not been previously published as pathogenic or benign to our knowledge